The following is an entry in ClinVar:

ClinVar aggregate classification (germline): Pathogenic (1 of 4 stars; one submission).

Submission:

Athena Diagnostics
Classification: Pathogenic. Last evaluated: 2025-08-08. Review status: criteria provided, single submitter. Criteria: Athena Diagnostics Criteria. Collection method: clinical testing. Allele origin: unknown.
Comment: This variant alters a critical location within the protein, and is expected to severely affect function and cause disease. This variant has not been reported in large, multi-ethnic general populations. This variant has been identified in at least one individual with clinical features associated with this gene. At least one other missense variant at this codon is considered to be pathogenic or likely pathogenic, suggesting this variant may also cause disease. Greater than 90% of NOTCH3 pathogenic variants associated with CADASIL involve the gain or loss of a cysteine residue within the epidermal growth factor (EGF)-like repeat domain (PMID: 32457593, 20301673).

Literature cited by the submitters: PubMed 26308724; PubMed 38790158.

NM_000435.3(NOTCH3):c.1257C>G (p.Cys419Trp)

Gene: NOTCH3 (notch receptor 3; minus strand). Cytogenetic location: 19p13.12.
Variant type: single nucleotide variant.
Coding change: c.1257C>G on transcript NM_000435.3 (MANE Select); coding-DNA position 1257, C replaced by G.
Protein change: p.Cys419Trp; replaces cysteine 419 with tryptophan.
Molecular consequence: missense variant.
Genome position (GRCh38, 1-based): chr19:15,189,110, G>C on the plus strand (C>G on the coding strand, the complement: NOTCH3 is on the minus strand). VCF-style: chr19-15189110-G-C. GRCh37 (hg19) VCF-style: chr19-15299921-G-C.
Other names: short protein forms C419W.
Identifiers: ClinVar variation 4682147 (VCV004682147.1).